The following is an entry in ClinVar:

ClinVar aggregate classification (germline): Uncertain significance (1 of 4 stars; one submission).

Allele frequency attached by ClinVar (database versions not stated): gnomAD exomes below 0.00001; TOPMed below 0.00001; gnomAD 0.00001.

Submission:

Labcorp Genetics (formerly Invitae), Labcorp
Classification: Uncertain significance. Last evaluated: 2022-09-15. Review status: criteria provided, single submitter. Criteria: Invitae Variant Classification Sherloc (09022015). Collection method: clinical testing. Allele origin: germline.
Comment: This sequence change replaces proline, which is neutral and non-polar, with serine, which is neutral and polar, at codon 286 of the KANK4 protein (p.Pro286Ser). This variant is not present in population databases (gnomAD no frequency). This variant has not been reported in the literature in individuals affected with KANK4-related conditions. Algorithms developed to predict the effect of missense changes on protein structure and function are either unavailable or do not agree on the potential impact of this missense change (SIFT: "Tolerated"; PolyPhen-2: "Probably Damaging"; Align-GVGD: "Class C0"). In summary, the available evidence is currently insufficient to determine the role of this variant in disease. Therefore, it has been classified as a Variant of Uncertain Significance.

NM_181712.5(KANK4):c.856C>T (p.Pro286Ser)

Gene: KANK4 (KN motif and ankyrin repeat domains 4; minus strand). Cytogenetic location: 1p31.3.
Variant type: single nucleotide variant.
Coding change: c.856C>T on transcript NM_181712.5 (MANE Select); coding-DNA position 856, C replaced by T.
Protein change: p.Pro286Ser; replaces proline 286 with serine.
Molecular consequence: missense variant. On other transcripts: intron variant (1).
Genome position (GRCh38, 1-based): chr1:62,274,248, G>A on the plus strand (C>T on the coding strand, the complement: KANK4 is on the minus strand). VCF-style: chr1-62274248-G-A. GRCh37 (hg19) VCF-style: chr1-62739920-G-A.
Other names: c.17-2659C>T (NM_001320269.2); short protein forms P286S.
Identifiers: ClinVar variation 1915796 (VCV001915796.5), dbSNP rs1672248012, ClinGen allele CA340618581.